The following is an entry in ClinVar:

ClinVar aggregate classification (germline): Pathogenic (1 of 4 stars; one submission).

Submission:

Labcorp Genetics (formerly Invitae), Labcorp
Classification: Pathogenic. Last evaluated: 2022-07-30. Review status: criteria provided, single submitter. Criteria: Invitae Variant Classification Sherloc (09022015). Collection method: clinical testing. Allele origin: germline.
Comment: For these reasons, this variant has been classified as Pathogenic. This variant has not been reported in the literature in individuals affected with CHM-related conditions. This variant is a gross deletion of the genomic region encompassing exon(s) 9-12 of the CHM gene. This deletion is out-of-frame, and is expected to create a premature termination codon and result in an absent or disrupted protein product. Loss-of-function variants in CHM are known to be pathogenic (PMID: 9067750, 23811034).

Literature cited by the submitters: PubMed 9067750; PubMed 23811034.

NC_000023.10:g.(?_85149173)_(85166363_?)del

Gene: CHM (CHM Rab escort protein; minus strand). Cytogenetic location: Xq21.2.
Variant type: Deletion.
Identifiers: ClinVar variation 2423014 (VCV002423014.4).